The following is an entry in ClinVar:

ClinVar aggregate classification (germline): Likely benign (1 of 4 stars; one submission).

Allele frequency attached by ClinVar (database versions not stated): gnomAD exomes below 0.00001; TOPMed below 0.00001; gnomAD 0.00001.
gnomAD v4.1: 4 of 1,614,002 alleles (0.00025%); highest among the groups gnomAD compares: Non-Finnish European, 0.00034%; no homozygotes.

Submission:

CeGaT Center for Human Genetics Tuebingen
Classification: Likely benign. Last evaluated: 2022-03-01. Review status: criteria provided, single submitter. Criteria: CeGaT Center For Human Genetics Tuebingen Variant Classification Criteria Version 2. Collection method: clinical testing. Allele origin: germline. Affected: yes. Observed: 1 variant allele.
Comment: ZNF473: BP4, BP7

NM_015428.4(ZNF473):c.1173T>C (p.Ile391=)

Gene: ZNF473 (zinc finger protein 473; plus strand). Cytogenetic location: 19q13.33.
Variant type: single nucleotide variant.
Coding change: c.1173T>C on transcript NM_015428.4 (MANE Select); coding-DNA position 1173, T replaced by C.
Protein change: p.Ile391=; no amino-acid change (isoleucine 391 retained).
Molecular consequence: synonymous variant.
Genome position (GRCh38, 1-based): chr19:50,045,616, T>C. VCF-style: chr19-50045616-T-C. GRCh37 (hg19) VCF-style: chr19-50548873-T-C.
Other names: c.1173T>C, p.Ile391= (NM_001006656.4); c.1137T>C, p.Ile379= (NM_001308424.3).
Identifiers: ClinVar variation 2650301 (VCV002650301.24), dbSNP rs1293012644, ClinGen allele CA508301622.